The following is an entry in ClinVar:

ClinVar aggregate classification (germline): Uncertain significance (1 of 4 stars; one submission).

Allele frequency attached by ClinVar (database versions not stated): TOPMed 0.00001; gnomAD 0.00003.
gnomAD v4.1: 12 of 1,614,040 alleles (0.00074%); highest among the groups gnomAD compares: East Asian, 0.0022%; no homozygotes.

Submission:

Labcorp Genetics (formerly Invitae), Labcorp
Classification: Uncertain significance. Last evaluated: 2022-07-09. Review status: criteria provided, single submitter. Criteria: Invitae Variant Classification Sherloc (09022015). Collection method: clinical testing. Allele origin: germline.
Comment: This sequence change replaces arginine, which is basic and polar, with glutamine, which is neutral and polar, at codon 1302 of the LAMC3 protein (p.Arg1302Gln). The frequency data for this variant in the population databases is considered unreliable, as metrics indicate poor data quality at this position in the gnomAD database. This variant has not been reported in the literature in individuals affected with LAMC3-related conditions. Algorithms developed to predict the effect of missense changes on protein structure and function output the following: SIFT: "Tolerated"; PolyPhen-2: "Benign"; Align-GVGD: "Class C0". The glutamine amino acid residue is found in multiple mammalian species, which suggests that this missense change does not adversely affect protein function. In summary, the available evidence is currently insufficient to determine the role of this variant in disease. Therefore, it has been classified as a Variant of Uncertain Significance.

NM_006059.4(LAMC3):c.3905G>A (p.Arg1302Gln)

Gene: LAMC3 (laminin subunit gamma 3; plus strand). Cytogenetic location: 9q34.12.
Variant type: single nucleotide variant.
Coding change: c.3905G>A on transcript NM_006059.4 (MANE Select); coding-DNA position 3905, G replaced by A.
Protein change: p.Arg1302Gln; replaces arginine 1302 with glutamine.
Molecular consequence: missense variant.
Genome position (GRCh38, 1-based): chr9:131,079,276, G>A. VCF-style: chr9-131079276-G-A. GRCh37 (hg19) VCF-style: chr9-133954663-G-A.
Other names: short protein forms R1302Q.
Identifiers: ClinVar variation 1911906 (VCV001911906.2), dbSNP rs758528347, ClinGen allele CA5287976.
Genomic context (GRCh38, chr9:131,079,276, plus strand): 5'-GGCAGCACATGGCCACTGAGGCTGCCCGAACCCTCCAGACTGCTGCCCAGGCGACGCTAC[G>A]GCAAACAGAACCCCTCACAAAGGTCAGCTCTTGTGCTTTGAAGCAGGGGACCTGGGAGAG-3'
Protein context (NP_006050.3, residues 1292-1312): TLQTAAQATL[Arg1302Gln]QTEPLTKLHQ